The following is an entry in ClinVar:

NM_003200.5(TCF3):c.1919C>T (p.Pro640Leu)

Gene: TCF3 (transcription factor 3; minus strand). Cytogenetic location: 19p13.3.
Variant type: single nucleotide variant.
Coding change: c.1919C>T on transcript NM_003200.5 (MANE Select); coding-DNA position 1919, C replaced by T.
Protein change: p.Pro640Leu; replaces proline 640 with leucine.
Molecular consequence: missense variant.
Genome position (GRCh38, 1-based): chr19:1,611,753, G>A on the plus strand (C>T on the coding strand, the complement: TCF3 is on the minus strand). VCF-style: chr19-1611753-G-A. GRCh37 (hg19) VCF-style: chr19-1611752-G-A.
Other names: c.1910C>T, p.Pro637Leu (NM_001136139.4, NM_001351779.2); c.1916C>T, p.Pro639Leu (NM_001351778.2); short protein forms P639L, P640L, P637L.
Identifiers: ClinVar variation 1923883 (VCV001923883.5), dbSNP rs1019768299, ClinGen allele CA304098406.
Genomic context (GRCh38, chr19:1,611,753, plus strand): 5'-CGGAGGCATACCTTTCACATGTGCCCGGCGGGGTTGTGGGCTTCGCTCAGGCCTGGGTGG[G>A]GAGCTGAAAGCACCATCTGGGGGTCTCCAACCACACCTGACACCTTTTCCTCTTCTCGCC-3'
Protein context (NP_003191.1, residues 630-650): VGDPQMVLSA[Pro640Leu]HPGLSEAHNP

ClinVar aggregate classification (germline): Uncertain significance (1 of 4 stars; one submission).

Allele frequency attached by ClinVar (database versions not stated): gnomAD 0.00001; gnomAD exomes 0.00001; TOPMed 0.00001.
gnomAD v4.1: 5 of 1,613,728 alleles (0.00031%); highest among the groups gnomAD compares: Non-Finnish European, 0.00042%; no homozygotes.

Submission:

Labcorp Genetics (formerly Invitae), Labcorp
Classification: Uncertain significance. Last evaluated: 2023-07-12. Review status: criteria provided, single submitter. Criteria: Invitae Variant Classification Sherloc (09022015). Collection method: clinical testing. Allele origin: germline.
Comment: In summary, the available evidence is currently insufficient to determine the role of this variant in disease. Therefore, it has been classified as a Variant of Uncertain Significance. This sequence change replaces proline with leucine at codon 640 of the TCF3 protein (p.Pro640Leu). The proline residue is weakly conserved and there is a moderate physicochemical difference between proline and leucine. This variant is not present in population databases (gnomAD no frequency). This variant has not been reported in the literature in individuals affected with TCF3-related conditions. ClinVar contains an entry for this variant (Variation ID: 1923883). Advanced modeling of protein sequence and biophysical properties (such as structural, functional, and spatial information, amino acid conservation, physicochemical variation, residue mobility, and thermodynamic stability) performed at Invitae indicates that this missense variant is not expected to disrupt TCF3 protein function.